The following is an entry in ClinVar:

NM_001267550.2(TTN):c.35419G>A (p.Glu11807Lys)

Gene: TTN (titin; minus strand). Cytogenetic location: 2q31.2.
Variant type: single nucleotide variant.
Coding change: c.35419G>A on transcript NM_001267550.2 (MANE Select); coding-DNA position 35419, G replaced by A.
Protein change: p.Glu11807Lys; replaces glutamic acid 11807 with lysine.
Molecular consequence: missense variant. On other transcripts: intron variant (5).
Genome position (GRCh38, 1-based): chr2:178,669,643, C>T on the plus strand (G>A on the coding strand, the complement: TTN is on the minus strand). VCF-style: chr2-178669643-C-T. GRCh37 (hg19) VCF-style: chr2-179534370-C-T.
Other names: c.13283-27326G>A (NM_003319.4); c.13859-27326G>A (NM_133437.4); c.13658-27326G>A (NM_133432.3); c.31483+575G>A (NM_133378.4); c.34264+575G>A (NM_001256850.1); short protein forms E11807K.
Identifiers: ClinVar variation 4874476 (VCV004874476.2).

ClinVar aggregate classification (germline): Uncertain significance (1 of 4 stars; one submission).

Submission:

CeGaT Center for Human Genetics Tuebingen
Classification: Uncertain significance. Last evaluated: 2026-04-01. Review status: criteria provided, single submitter. Criteria: CeGaT Center For Human Genetics Tuebingen Variant Classification Criteria Version 2. Collection method: clinical testing. Allele origin: germline. Affected: yes. Observed: 1 variant allele.
Comment: TTN: PM2, BP4